The following is an entry in ClinVar:

NM_000719.7(CACNA1C):c.502A>G (p.Ile168Val)

Gene: CACNA1C (calcium voltage-gated channel subunit alpha1 C; plus strand). Cytogenetic location: 12p13.33.
Variant type: single nucleotide variant.
Coding change: c.502A>G on transcript NM_000719.7 (MANE Select); coding-DNA position 502, A replaced by G.
Protein change: p.Ile168Val; replaces isoleucine 168 with valine.
Molecular consequence: missense variant.
Genome position (GRCh38, 1-based): chr12:2,449,000, A>G. VCF-style: chr12-2449000-A-G. GRCh37 (hg19) VCF-style: chr12-2558166-A-G.
Other names: c.502A>G, p.Ile168Val (NM_001129827.2, NM_001129829.2, NM_001129830.3 and 19 more transcripts); short protein forms I168V.
Identifiers: ClinVar variation 2573676 (VCV002573676.1), dbSNP rs2552094547, ClinGen allele CA383367319.

ClinVar aggregate classification (germline): Uncertain significance (1 of 4 stars; one submission).

gnomAD v4.1: 1 of 1,609,398 alleles (0.000062%); highest among the groups gnomAD compares: Non-Finnish European, 0.000085%; no homozygotes.

Submission:

GeneDx
Classification: Uncertain significance. Last evaluated: 2023-01-17. Review status: criteria provided, single submitter. Criteria: GeneDx Variant Classification Process June 2021. Collection method: clinical testing. Allele origin: germline. Affected: yes.
Comment: Not observed at significant frequency in large population cohorts (gnomAD); In silico analysis supports that this missense variant does not alter protein structure/function; Has not been previously published as pathogenic or benign to our knowledge